The following is an entry in ClinVar:

ClinVar aggregate classification (germline): Pathogenic. Review status: criteria provided, single submitter (1 of 4 stars). 2 submissions from 2 submitters: Pathogenic (1). 1 of the submissions does not count toward it. Last evaluated 2014-07-01.

Conditions:
Hyperlipoproteinemia, type 1D. Also called: Hyperlipoproteinemia, type ID. Identifiers: Orphanet 444490, Orphanet 535458, MedGen C4014767, MONDO:0014412, OMIM 615947.

Submissions (2):

Lupski Lab, Baylor-Hopkins CMG, Baylor College of Medicine
Classification: Pathogenic for Hyperlipoproteinemia, type 1D. Last evaluated: 2014-07-01. Review status: criteria provided, single submitter. Criteria: Gonzaga-Jauregui et al (J Pediatr Gastroenterol Nutr. 2014). Collection method: research. Allele origin: germline. Inheritance: Autosomal recessive inheritance. Affected: yes and no. Observed: 2 variant alleles, 1 heterozygote, 1 compound heterozygote.

OMIM
Classification: Pathogenic for HYPERLIPOPROTEINEMIA, TYPE ID. Last evaluated: 2014-03-06. Review status: no assertion criteria provided. Collection method: literature only. Allele origin: germline. Not counted in ClinVar's aggregate classification.

Literature cited by the submitters: PubMed 19304573 (cited by Lupski Lab, Baylor-Hopkins CMG, Baylor College of Medicine); PubMed 21816778 (cited by Lupski Lab, Baylor-Hopkins CMG, Baylor College of Medicine); PubMed 20124439 (cited by Lupski Lab, Baylor-Hopkins CMG, Baylor College of Medicine); PubMed 24614124 (cited by OMIM); Hamosh, A. Personal Communication. 2014. Baltimore, Md. (cited by OMIM).

NM_178172.6(GPIHBP1):c.331A>C (p.Thr111Pro)

Gene: GPIHBP1 (glycosylphosphatidylinositol anchored high density lipoprotein binding protein 1; plus strand). Cytogenetic location: 8q24.3.
Variant type: single nucleotide variant.
Coding change: c.331A>C on transcript NM_178172.6 (MANE Select); coding-DNA position 331, A replaced by C.
Protein change: p.Thr111Pro; replaces threonine 111 with proline.
Molecular consequence: missense variant.
Genome position (GRCh38, 1-based): chr8:143,215,294, A>C. VCF-style: chr8-143215294-A-C. GRCh37 (hg19) VCF-style: chr8-144297169-A-C.
Other names: c.331A>C, p.Thr111Pro (NM_001301772.2); short protein forms T111P.
Identifiers: ClinVar variation 144018 (VCV000144018.3), dbSNP rs587777641, ClinGen allele CA215032.